The following is an entry in ClinVar:

ClinVar aggregate classification (germline): Uncertain significance (1 of 4 stars; one submission).

Conditions:
Cardiovascular phenotype. Identifiers: MedGen CN230736.

gnomAD v4.1: 1 of 1,606,296 alleles (0.000062%); no homozygotes.

Submission:

Ambry Genetics
Classification: Uncertain significance for Cardiovascular phenotype. Last evaluated: 2026-09-06. Review status: criteria provided, single submitter. Criteria: Ambry Variant Classification Scheme 2023. Collection method: clinical testing. Allele origin: germline.
Comment: The p.L218V variant (also known as c.652T>G) is located in coding exon 7 of the ANKRD1 gene. The leucine at codon 218 is replaced by valine, an amino acid with highly similar properties. This change occurs in the first base pair of coding exon 7. This amino acid position is conserved. In addition, this alteration is predicted to be tolerated by in silico analysis. Based on the available evidence, the clinical significance of this variant remains unclear.

NM_014391.3(ANKRD1):c.652T>G (p.Leu218Val)

Gene: ANKRD1 (ankyrin repeat domain 1; minus strand). Cytogenetic location: 10q23.31.
Variant type: single nucleotide variant.
Coding change: c.652T>G on transcript NM_014391.3 (MANE Select); coding-DNA position 652, T replaced by G.
Protein change: p.Leu218Val; replaces leucine 218 with valine.
Molecular consequence: missense variant.
Genome position (GRCh38, 1-based): chr10:90,915,880, A>C on the plus strand (T>G on the coding strand, the complement: ANKRD1 is on the minus strand). VCF-style: chr10-90915880-A-C. GRCh37 (hg19) VCF-style: chr10-92675637-A-C.
Other names: short protein forms L218V.
Identifiers: ClinVar variation 5022393 (VCV005022393.1).